The following is an entry in ClinVar:

NM_001267550.2(TTN):c.61990A>G (p.Asn20664Asp)

Genes: TTN (titin; minus strand), TTN-AS1 (TTN antisense RNA 1; plus strand). Cytogenetic location: 2q31.2.
Variant type: single nucleotide variant.
Coding change: c.61990A>G on transcript NM_001267550.2 (MANE Select); coding-DNA position 61990, A replaced by G.
Protein change: p.Asn20664Asp; replaces asparagine 20664 with aspartic acid.
Molecular consequence: missense variant.
Genome position (GRCh38, 1-based): chr2:178,589,735, T>C on the plus strand (A>G on the coding strand, the complement: TTN is on the minus strand). VCF-style: chr2-178589735-T-C. GRCh37 (hg19) VCF-style: chr2-179454462-T-C.
Other names: c.57067A>G, p.Asn19023Asp (NM_001256850.1); c.34795A>G, p.Asn11599Asp (NM_003319.4); c.54286A>G, p.Asn18096Asp (NM_133378.4); c.35170A>G, p.Asn11724Asp (NM_133432.3); c.35371A>G, p.Asn11791Asp (NM_133437.4); short protein forms N11599D, N11791D, N19023D, N20664D, N11724D, N18096D.
Identifiers: ClinVar variation 4986905 (VCV004986905.1).

ClinVar aggregate classification (germline): Uncertain significance (1 of 4 stars; one submission).

Conditions:
TTN-related disorder. Also called: TTN-related disorders; TTN-related condition; TTN-related disease.

gnomAD v4.1: 2 of 1,613,564 alleles (0.00012%); highest among the groups gnomAD compares: African/African-American, 0.0027%; no homozygotes.

Submission:

PreventionGenetics, part of Exact Sciences
Classification: Uncertain significance for TTN-related condition. Last evaluated: 2025-09-01. Review status: criteria provided, single submitter. Criteria: ACMG Guidelines, 2015. Collection method: clinical testing. Allele origin: germline.
Comment: The TTN c.61990A>G variant is predicted to result in the amino acid substitution p.Asn20664Asp. To our knowledge, this variant has not been reported in the literature or in a large population database (gnomAD), indicating this variant is rare. At this time, the clinical significance of this variant is uncertain due to the absence of conclusive functional and genetic evidence.